The following is an entry in ClinVar:

NM_004304.5(ALK):c.4163A>G (p.Gln1388Arg)

Gene: ALK (ALK receptor tyrosine kinase; minus strand). Cytogenetic location: 2p23.2.
Variant type: single nucleotide variant.
Coding change: c.4163A>G on transcript NM_004304.5 (MANE Select); coding-DNA position 4163, A replaced by G.
Protein change: p.Gln1388Arg; replaces glutamine 1388 with arginine.
Molecular consequence: missense variant.
Genome position (GRCh38, 1-based): chr2:29,196,771, T>C on the plus strand (A>G on the coding strand, the complement: ALK is on the minus strand). VCF-style: chr2-29196771-T-C. GRCh37 (hg19) VCF-style: chr2-29419637-T-C.
Other names: c.959A>G, p.Gln320Arg (NM_001353765.2); short protein forms Q1388R, Q320R.
Identifiers: ClinVar variation 4724213 (VCV004724213.1).

ClinVar aggregate classification (germline): Uncertain significance (1 of 4 stars; one submission).

Conditions:
Neuroblastoma, susceptibility to, 3. Also called: ALK-Related Neuroblastic Tumor Susceptibility. Identifiers: Orphanet 635, MedGen C2751681, MONDO:0013083, OMIM 613014.

Submission:

Labcorp Genetics (formerly Invitae), Labcorp
Classification: Uncertain significance for Neuroblastoma, susceptibility to, 3. Last evaluated: 2025-07-29. Review status: criteria provided, single submitter. Criteria: Invitae Variant Classification Sherloc (09022015). Collection method: clinical testing. Allele origin: germline.
Comment: This sequence change replaces glutamine, which is neutral and polar, with arginine, which is basic and polar, at codon 1388 of the ALK protein (p.Gln1388Arg). This variant is not present in population databases (gnomAD no frequency). This variant has not been reported in the literature in individuals affected with ALK-related conditions. An algorithm developed to predict the effect of missense changes on protein structure and function (PolyPhen-2) suggests that this variant is likely to be disruptive. In summary, the available evidence is currently insufficient to determine the role of this variant in disease. Therefore, it has been classified as a Variant of Uncertain Significance.